The following is an entry in ClinVar:

NM_007194.4(CHEK2):c.1096-9G>T

Gene: CHEK2 (checkpoint kinase 2; minus strand). Cytogenetic location: 22q12.1.
Variant type: single nucleotide variant.
Coding change: c.1096-9G>T on transcript NM_007194.4 (MANE Select); 9 bases into the intron before coding-DNA position 1096, G replaced by T.
Molecular consequence: intron variant.
Genome position (GRCh38, 1-based): chr22:28,695,882, C>A on the plus strand (G>T on the coding strand, the complement: CHEK2 is on the minus strand). VCF-style: chr22-28695882-C-A. GRCh37 (hg19) VCF-style: chr22-29091870-C-A.
Other names: c.433-9G>T (NM_001437942.1, NM_001257387.3); c.895-9G>T (NM_001349956.3); c.1009-9G>T (NM_145862.3); c.1102-9G>T (NM_001438295.1); c.1189-9G>T (NM_001438293.1); c.1138-9G>T (NM_001438294.1); c.1225-9G>T (NM_001005735.3).
Identifiers: ClinVar variation 3772737 (VCV003772737.1).

ClinVar aggregate classification (germline): Likely benign (1 of 4 stars; one submission).

Conditions:
Familial cancer of breast. Also called: Hereditary breast cancer; BREAST CANCER, FAMILIAL; hereditary breast carcinoma. Identifiers: Orphanet 227535, MedGen C0346153, MONDO:0016419, OMIM 114480. Disease mechanism: loss of function.

gnomAD v4.1: 1 of 1,605,494 alleles (0.000062%); highest among the groups gnomAD compares: South Asian, 0.0011%; no homozygotes.

Submission:

Myriad Genetics, Inc.
Classification: Likely benign for Familial cancer of breast. Last evaluated: 2024-10-04. Review status: criteria provided, single submitter. Criteria: Myriad Autosomal Dominant, Autosomal Recessive and X-Linked Classification Criteria (2023). Collection method: clinical testing. Allele origin: unknown.
Comment: This variant is considered likely benign. This variant is intronic and is not expected to impact mRNA splicing.